The following is an entry in ClinVar:

NM_002519.3(NPAT):c.1219G>A (p.Val407Met)

Gene: NPAT (nuclear protein, coactivator of histone transcription; minus strand). Cytogenetic location: 11q22.3.
Variant type: single nucleotide variant.
Coding change: c.1219G>A on transcript NM_002519.3 (MANE Select); coding-DNA position 1219, G replaced by A.
Protein change: p.Val407Met; replaces valine 407 with methionine.
Molecular consequence: missense variant.
Genome position (GRCh38, 1-based): chr11:108,173,765, C>T on the plus strand (G>A on the coding strand, the complement: NPAT is on the minus strand). VCF-style: chr11-108173765-C-T. GRCh37 (hg19) VCF-style: chr11-108044492-C-T.
Other names: c.1219G>A, p.Val407Met (NM_001321307.1); short protein forms V407M.
Identifiers: ClinVar variation 2453783 (VCV002453783.2), dbSNP rs2496722136, ClinGen allele CA382515976.

ClinVar aggregate classification (germline): Uncertain significance (1 of 4 stars; one submission).

Submission:

Ambry Genetics
Classification: Uncertain significance. Last evaluated: 2023-01-28. Review status: criteria provided, single submitter. Criteria: Ambry Variant Classification Scheme 2023. Collection method: clinical testing. Allele origin: germline.
Comment: The p.V407M variant (also known as c.1219G>A), located in coding exon 13 of the NPAT gene, results from a G to A substitution at nucleotide position 1219. The valine at codon 407 is replaced by methionine, an amino acid with highly similar properties. This amino acid position is conserved. In addition, this alteration is predicted to be tolerated by in silico analysis. Since supporting evidence is limited at this time, the clinical significance of this alteration remains unclear.